The following is an entry in ClinVar:

ClinVar aggregate classification (germline): Pathogenic (1 of 4 stars; one submission).

Conditions:
Duchenne muscular dystrophy (DMD). Also called: Duchenne Muscular Dystrophy (DMD); MUSCULAR DYSTROPHY, PSEUDOHYPERTROPHIC PROGRESSIVE, DUCHENNE TYPE. Identifiers: Orphanet 98896, MedGen C0013264, MONDO:0010679, OMIM 310200.

Submission:

Labcorp Genetics (formerly Invitae), Labcorp
Classification: Pathogenic for Duchenne muscular dystrophy. Last evaluated: 2024-01-08. Review status: criteria provided, single submitter. Criteria: Invitae Variant Classification Sherloc (09022015). Collection method: clinical testing. Allele origin: germline.
Comment: This variant is a gross deletion of the genomic region encompassing exon(s) 3-27 of the DMD gene. This variant would be expected to be in-frame, preserving the integrity of the reading frame. A similar copy number variant has been observed in individual(s) with Becker muscular dystrophy (PMID: 18348289). This variant disrupts a region of the DMD protein in which other variant(s) (Deletion (Exon 5)) have been determined to be pathogenic (PMID: 12920092, 20031633, 21520333, 24292997, 26745801). This suggests that this is a clinically significant region of the protein, and that variants that disrupt it are likely to be disease-causing. For these reasons, this variant has been classified as Pathogenic.

Literature cited by the submitters: PubMed 18348289; PubMed 12920092; PubMed 20031633; PubMed 21520333; PubMed 24292997; PubMed 26745801.

NC_000023.10:g.(?_32466553)_(32867957_?)del

Gene: DMD (dystrophin; minus strand). Cytogenetic location: Xp21.1.
Variant type: Deletion.
Identifiers: ClinVar variation 1458256 (VCV001458256.6).